The following is an entry in ClinVar:

NM_001613.4(ACTA2):c.355G>C (p.Glu119Gln)

Gene: ACTA2 (actin alpha 2, smooth muscle; minus strand). Cytogenetic location: 10q23.31.
Variant type: single nucleotide variant.
Coding change: c.355G>C on transcript NM_001613.4 (MANE Select); coding-DNA position 355, G replaced by C.
Protein change: p.Glu119Gln; replaces glutamic acid 119 with glutamine.
Molecular consequence: missense variant.
Genome position (GRCh38, 1-based): chr10:88,943,811, C>G on the plus strand (G>C on the coding strand, the complement: ACTA2 is on the minus strand). VCF-style: chr10-88943811-C-G. GRCh37 (hg19) VCF-style: chr10-90703568-C-G.
Other names: c.355G>C, p.Glu119Gln (NM_001141945.3, NM_001320855.2, NM_001406462.1 and 3 more transcripts); c.226G>C, p.Glu76Gln (NM_001406467.1, NM_001406468.1, NM_001406469.1); short protein forms E119Q, E76Q.
Identifiers: ClinVar variation 1518440 (VCV001518440.9), dbSNP rs867537284, ClinGen allele CA377512811.

ClinVar aggregate classification (germline): Uncertain significance (1 of 4 stars; one submission).

Conditions:
Aortic aneurysm, familial thoracic 6 (AAT6). Also called: FAMILIAL THORACIC AORTIC ANEURYSM WITH LIVEDO RETICULARIS AND IRIS FLOCCULI. Identifiers: MedGen C2673186, MONDO:0012730, OMIM 611788.

Submission:

Labcorp Genetics (formerly Invitae), Labcorp
Classification: Uncertain significance for Aortic aneurysm, familial thoracic 6. Last evaluated: 2021-03-23. Review status: criteria provided, single submitter. Criteria: Invitae Variant Classification Sherloc (09022015). Collection method: clinical testing. Allele origin: germline.
Comment: In summary, the available evidence is currently insufficient to determine the role of this variant in disease. Therefore, it has been classified as a Variant of Uncertain Significance. Advanced modeling of protein sequence and biophysical properties (such as structural, functional, and spatial information, amino acid conservation, physicochemical variation, residue mobility, and thermodynamic stability) performed at Invitae indicates that this missense variant is expected to disrupt ACTA2 protein function. This variant has not been reported in the literature in individuals with ACTA2-related conditions. This variant is not present in population databases (ExAC no frequency). This sequence change replaces glutamic acid with glutamine at codon 119 of the ACTA2 protein (p.Glu119Gln). The glutamic acid residue is highly conserved and there is a small physicochemical difference between glutamic acid and glutamine.